The following is an entry in ClinVar:

ClinVar aggregate classification (germline): Uncertain significance (1 of 4 stars; one submission).

Submission:

Ambry Genetics
Classification: Uncertain significance. Last evaluated: 2022-12-23. Review status: criteria provided, single submitter. Criteria: Ambry Variant Classification Scheme 2023. Collection method: clinical testing. Allele origin: germline.
Comment: The p.S1053N variant (also known as c.3158G>A), located in coding exon 17 of the PALLD gene, results from a G to A substitution at nucleotide position 3158. The serine at codon 1053 is replaced by asparagine, an amino acid with highly similar properties. This amino acid position is conserved. In addition, this alteration is predicted to be tolerated by in silico analysis. Since supporting evidence is limited at this time, the clinical significance of this alteration remains unclear.

NM_001166108.2(PALLD):c.3209G>A (p.Ser1070Asn)

Genes: CBR4 (carbonyl reductase 4; minus strand), PALLD (palladin, cytoskeletal associated protein; plus strand). Cytogenetic location: 4q32.3.
Variant type: single nucleotide variant.
Coding change: c.3209G>A on transcript NM_001166108.2 (MANE Select); coding-DNA position 3209, G replaced by A.
Protein change: p.Ser1070Asn; replaces serine 1070 with asparagine.
Molecular consequence: missense variant.
Genome position (GRCh38, 1-based): chr4:168,924,405, G>A. VCF-style: chr4-168924405-G-A. GRCh37 (hg19) VCF-style: chr4-169845556-G-A.
Other names: c.2012G>A, p.Ser671Asn (NM_001166109.2); c.1697G>A, p.Ser566Asn (NM_001166110.2); c.1037G>A, p.Ser346Asn (NM_001367567.1, NM_001367569.1); c.1088G>A, p.Ser363Asn (NM_001367568.1, NM_001367570.1); c.3158G>A, p.Ser1053Asn (NM_016081.4); short protein forms S1053N, S363N, S671N, S1070N, S346N, S566N.
Identifiers: ClinVar variation 2497011 (VCV002497011.2), dbSNP rs2534253429, ClinGen allele CA358712998.